The following is an entry in ClinVar:

ClinVar aggregate classification (germline): Benign/Likely benign. Review status: criteria provided, multiple submitters, no conflicts (2 of 4 stars). 4 submissions from 4 submitters: Benign (2); Likely benign (2). Last evaluated 2025-12-03.

Conditions:
Emery-Dreifuss muscular dystrophy 5, autosomal dominant (EDMD5). Also called: EMERY-DREIFUSS MUSCULAR DYSTROPHY 5. Identifiers: Orphanet 261, MedGen C2751805, MONDO:0013072, OMIM 612999.

Allele frequency attached by ClinVar (database versions not stated): gnomAD exomes 0.00016 and 0.00041; ExAC 0.00047; ESP Exome Variant Server 0.00123; 1000 Genomes Project 0.00140; 1000 Genomes Project 30x 0.00141; gnomAD 0.00159 and 0.00173; TOPMed 0.00186.
gnomAD v4.1: 492 of 1,614,120 alleles (0.03%); highest among the groups gnomAD compares: African/African-American, 0.53%; 2 homozygotes.

Submissions (4):

Labcorp Genetics (formerly Invitae), Labcorp
Classification: Likely benign for Emery-Dreifuss muscular dystrophy 5, autosomal dominant. Last evaluated: 2025-12-03. Review status: criteria provided, single submitter. Criteria: Invitae Variant Classification Sherloc (09022015). Collection method: clinical testing. Allele origin: germline.

CeGaT Center for Human Genetics Tuebingen
Classification: Likely benign. Last evaluated: 2025-06-01. Review status: criteria provided, single submitter. Criteria: CeGaT Center For Human Genetics Tuebingen Variant Classification Criteria Version 2. Collection method: clinical testing. Allele origin: germline. Affected: yes. Observed: 1 variant allele.
Comment: SYNE2: BP4

Athena Diagnostics
Classification: Benign. Last evaluated: 2019-03-22. Review status: criteria provided, single submitter. Criteria: Athena Diagnostics Criteria. Collection method: clinical testing. Allele origin: germline.

Illumina Laboratory Services, Illumina
Classification: Benign for Emery-Dreifuss muscular dystrophy 5, autosomal dominant. Last evaluated: 2018-01-12. Review status: criteria provided, single submitter. Criteria: ICSL Variant Classification Criteria 13 December 2019. Collection method: clinical testing. Allele origin: germline.
Comment: This variant was observed in the ICSL laboratory as part of a predisposition screen in an ostensibly healthy population. It had not been previously curated by ICSL or reported in the Human Gene Mutation Database (HGMD: prior to June 1st, 2018), and was therefore a candidate for classification through an automated scoring system. Utilizing variant allele frequency, disease prevalence and penetrance estimates, and inheritance mode, an automated score was calculated to assess if this variant is too frequent to cause the disease. Based on the score and internal cut-off values, a variant classified as benign is not then subjected to further curation. The score for this variant resulted in a classification of benign for this disease.

NM_182914.3(SYNE2):c.11530A>G (p.Ile3844Val)

Gene: SYNE2 (spectrin repeat containing nuclear envelope protein 2; plus strand). Cytogenetic location: 14q23.2.
Variant type: single nucleotide variant.
Coding change: c.11530A>G on transcript NM_182914.3 (MANE Select); coding-DNA position 11530, A replaced by G.
Protein change: p.Ile3844Val; replaces isoleucine 3844 with valine.
Molecular consequence: missense variant.
Genome position (GRCh38, 1-based): chr14:64,087,716, A>G. VCF-style: chr14-64087716-A-G. GRCh37 (hg19) VCF-style: chr14-64554434-A-G.
Other names: c.11530A>G, p.Ile3844Val (NM_015180.6); short protein forms I3844V.
Identifiers: ClinVar variation 313558 (VCV000313558.26), dbSNP rs140243093, ClinGen allele CA7221842.